The following is an entry in ClinVar:

ClinVar aggregate classification (germline): Uncertain significance (1 of 4 stars; one submission).

Submission:

Labcorp Genetics (formerly Invitae), Labcorp
Classification: Uncertain significance. Last evaluated: 2022-03-04. Review status: criteria provided, single submitter. Criteria: Invitae Variant Classification Sherloc (09022015). Collection method: clinical testing. Allele origin: germline.
Comment: This sequence change replaces tryptophan, which is neutral and slightly polar, with glycine, which is neutral and non-polar, at codon 95 of the CLDN16 protein (p.Trp95Gly). This variant is not present in population databases (gnomAD no frequency). In summary, the available evidence is currently insufficient to determine the role of this variant in disease. Therefore, it has been classified as a Variant of Uncertain Significance. Algorithms developed to predict the effect of missense changes on protein structure and function (SIFT, PolyPhen-2, Align-GVGD) all suggest that this variant is likely to be disruptive. This variant has not been reported in the literature in individuals affected with CLDN16-related conditions.

NM_006580.4(CLDN16):c.73T>G (p.Trp25Gly)

Gene: CLDN16 (claudin 16; plus strand). Cytogenetic location: 3q28.
Variant type: single nucleotide variant.
Coding change: c.73T>G on transcript NM_006580.4 (MANE Select); coding-DNA position 73, T replaced by G.
Protein change: p.Trp25Gly; replaces tryptophan 25 with glycine.
Molecular consequence: missense variant.
Genome position (GRCh38, 1-based): chr3:190,388,402, T>G. VCF-style: chr3-190388402-T-G. GRCh37 (hg19) VCF-style: chr3-190106191-T-G.
Other names: c.73T>G, p.Trp25Gly (NM_001378492.1, NM_001378493.1); short protein forms W25G.
Identifiers: ClinVar variation 2104280 (VCV002104280.4), dbSNP rs2473775098, ClinGen allele CA355762691.